The following is an entry in ClinVar:

ClinVar aggregate classification (germline): Uncertain significance (1 of 4 stars; one submission).

Conditions:
Combined immunodeficiency due to ORAI1 deficiency. Also called: IMMUNODEFICIENCY 9. Identifiers: Orphanet 169090, Orphanet 317428, MedGen C2748568, MONDO:0013007, OMIM 612782.
Myopathy, tubular aggregate, 2 (TAM2). Identifiers: MedGen C4014557, MONDO:0014383, OMIM 615883.

Submission:

Labcorp Genetics (formerly Invitae), Labcorp
Classification: Uncertain significance for Myopathy, tubular aggregate, 2; Combined immunodeficiency due to ORAI1 deficiency. Last evaluated: 2021-12-21. Review status: criteria provided, single submitter. Criteria: Invitae Variant Classification Sherloc (09022015). Collection method: clinical testing. Allele origin: germline.
Comment: In summary, the available evidence is currently insufficient to determine the role of this variant in disease. Therefore, it has been classified as a Variant of Uncertain Significance. Experimental studies and prediction algorithms are not available or were not evaluated, and the functional significance of this variant is currently unknown. This variant has not been reported in the literature in individuals affected with ORAI1-related conditions. This variant is not present in population databases (gnomAD no frequency). This sequence change replaces alanine, which is neutral and non-polar, with glycine, which is neutral and non-polar, at codon 42 of the ORAI1 protein (p.Ala42Gly).

NC_000012.12:g.121626872C>G

Genes: ORAI1 (ORAI calcium release-activated calcium modulator 1; plus strand), LOC130008987 (ATAC-STARR-seq lymphoblastoid silent region 4981; plus strand). Cytogenetic location: 12q24.31.
Variant type: single nucleotide variant.
Genome position: GRCh38 VCF-style: chr12-121626872-C-G. GRCh37 (hg19) VCF-style: chr12-122064772-C-G.
Other names: c.125C>G, p.Ala42Gly (NM_032790.4); short protein forms A42G.
Identifiers: ClinVar variation 2171477 (VCV002171477.4), dbSNP rs1212609439, ClinGen allele CA386980794.